The following is an entry in ClinVar:

NM_001127222.2(CACNA1A):c.5839+1G>C

Gene: CACNA1A (calcium voltage-gated channel subunit alpha1 A; minus strand). Cytogenetic location: 19p13.13.
Variant type: single nucleotide variant.
Coding change: c.5839+1G>C on transcript NM_001127222.2 (MANE Select); the canonical splice donor site of the intron after coding-DNA position 5839, G replaced by C.
Molecular consequence: splice donor variant.
Genome position (GRCh38, 1-based): chr19:13,214,500, C>G on the plus strand (G>C on the coding strand, the complement: CACNA1A is on the minus strand). VCF-style: chr19-13214500-C-G. GRCh37 (hg19) VCF-style: chr19-13325314-C-G.
Other names: c.5842+1G>C (NM_001127221.2); c.5848+1G>C (NM_001174080.2); c.5857+1G>C (NM_000068.4, NM_023035.3).
Identifiers: ClinVar variation 1496646 (VCV001496646.6), dbSNP rs951196653, ClinGen allele CA404334247.

ClinVar aggregate classification (germline): Likely pathogenic (1 of 4 stars; one submission).

Conditions:
Episodic ataxia type 2 (EA2). Also called: ATAXIA, EPISODIC, WITH NYSTAGMUS; ATAXIA, FAMILIAL PAROXYSMAL; CEREBELLAR ATAXIA, PAROXYSMAL, ACETAZOLAMIDE-RESPONSIVE; CEREBELLOPATHY, HEREDITARY PAROXYSMAL; ACETAZOLAMIDE-RESPONSIVE HEREDITARY PAROXYSMAL CEREBELLAR ATAXIA; EPISODIC ATAXIA, NYSTAGMUS-ASSOCIATED. Identifiers: Orphanet 97, MedGen C1720416, MONDO:0007163, OMIM 108500.
Developmental and epileptic encephalopathy, 42 (DEE42A). Also called: DEVELOPMENTAL AND EPILEPTIC ENCEPHALOPATHY 42A; EPILEPTIC ENCEPHALOPATHY, EARLY INFANTILE, 42A; Epileptic encephalopathy, early infantile, 42. Identifiers: MedGen C4310716, MONDO:0014917, OMIM 617106.

Submission:

Labcorp Genetics (formerly Invitae), Labcorp
Classification: Likely pathogenic for Developmental and epileptic encephalopathy, 42; Episodic ataxia type 2. Last evaluated: 2022-07-12. Review status: criteria provided, single submitter. Criteria: Invitae Variant Classification Sherloc (09022015). Collection method: clinical testing. Allele origin: germline.
Comment: This variant is not present in population databases (gnomAD no frequency). This sequence change affects a donor splice site in intron 39 of the CACNA1A gene. It is expected to disrupt RNA splicing. Variants that disrupt the donor or acceptor splice site typically lead to a loss of protein function (PMID: 16199547), and loss-of-function variants in CACNA1A are known to be pathogenic (PMID: 10371528, 19486177, 25735478, 27250579). In summary, the currently available evidence indicates that the variant is pathogenic, but additional data are needed to prove that conclusively. Therefore, this variant has been classified as Likely Pathogenic. Algorithms developed to predict the effect of sequence changes on RNA splicing suggest that this variant may disrupt the consensus splice site. ClinVar contains an entry for this variant (Variation ID: 1496646). This variant has not been reported in the literature in individuals affected with CACNA1A-related conditions.

Literature cited by the submitters: PubMed 16199547; PubMed 10371528; PubMed 19486177; PubMed 25735478; PubMed 27250579.